The following is an entry in ClinVar:

NM_002840.5(PTPRF):c.1066G>T (p.Ala356Ser)

Gene: PTPRF (protein tyrosine phosphatase receptor type F; plus strand). Cytogenetic location: 1p34.2.
Variant type: single nucleotide variant.
Coding change: c.1066G>T on transcript NM_002840.5 (MANE Select); coding-DNA position 1066, G replaced by T.
Protein change: p.Ala356Ser; replaces alanine 356 with serine.
Molecular consequence: missense variant.
Genome position (GRCh38, 1-based): chr1:43,591,088, G>T. VCF-style: chr1-43591088-G-T. GRCh37 (hg19) VCF-style: chr1-44056759-G-T.
Other names: c.1084G>T, p.Ala362Ser (NM_001329137.2); c.1096G>T, p.Ala366Ser (NM_001329138.2); c.1066G>T, p.Ala356Ser (NM_001329139.2, NM_001329140.2, NM_130440.4); short protein forms A356S, A362S, A366S.
Identifiers: ClinVar variation 734792 (VCV000734792.6), dbSNP rs79621077, ClinGen allele CA812026.

ClinVar aggregate classification (germline): Likely benign. Review status: criteria provided, multiple submitters, no conflicts (2 of 4 stars). 2 submissions from 2 submitters: Likely benign (2). Last evaluated 2026-04-01.

Allele frequency attached by ClinVar (database versions not stated): ExAC 0.00051; 1000 Genomes Project 0.00160; gnomAD 0.00171 and 0.00188; 1000 Genomes Project 30x 0.00172; ESP Exome Variant Server 0.00192; TOPMed 0.00174.
gnomAD v4.1: 459 of 1,613,918 alleles (0.028%); highest among the groups gnomAD compares: African/African-American, 0.54%; 5 homozygotes.

Submissions (2):

CeGaT Center for Human Genetics Tuebingen
Classification: Likely benign. Last evaluated: 2026-04-01. Review status: criteria provided, single submitter. Criteria: CeGaT Center For Human Genetics Tuebingen Variant Classification Criteria Version 2. Collection method: clinical testing. Allele origin: germline. Affected: yes. Observed: 1 variant allele.
Comment: PTPRF: BP4, BS2

Labcorp Genetics (formerly Invitae), Labcorp
Classification: Likely benign. Last evaluated: 2019-12-31. Review status: criteria provided, single submitter. Criteria: Invitae Variant Classification Sherloc (09022015). Collection method: clinical testing. Allele origin: germline.